The following is an entry in ClinVar:

ClinVar aggregate classification (germline): Pathogenic (1 of 4 stars; one submission).

Submission:

Labcorp Genetics (formerly Invitae), Labcorp
Classification: Pathogenic. Last evaluated: 2024-04-23. Review status: criteria provided, single submitter. Criteria: Invitae Variant Classification Sherloc (09022015). Collection method: clinical testing. Allele origin: germline.
Comment: This sequence change creates a premature translational stop signal (p.Leu222Serfs*79) in the TCF7L2 gene. It is expected to result in an absent or disrupted protein product. Loss-of-function variants in TCF7L2 are known to be pathogenic (PMID: 34003604). Information on the frequency of this variant in the gnomAD database is not available, as this variant may be reported differently in the database. This variant has not been reported in the literature in individuals affected with TCF7L2-related conditions. For these reasons, this variant has been classified as Pathogenic.

Literature cited by the submitters: PubMed 34003604.

NM_001367943.1(TCF7L2):c.733_748delinsTCCGC (p.Leu245fs)

Gene: TCF7L2 (transcription factor 7 like 2; plus strand). Cytogenetic location: 10q25.3.
Variant type: Indel.
Coding change: c.733_748delinsTCCGC on transcript NM_001367943.1 (MANE Select); coding-DNA positions 733 to 748, CTATCGCCTGGCACCG replaced by TCCGC.
Protein change: p.Leu245fs; shifts the reading frame from leucine 245.
Molecular consequence: frameshift variant.
Genome position (GRCh38, 1-based): chr10:113,143,970-113,143,985, CTATCGCCTGGCACCG replaced by TCCGC. VCF-style: chr10-113143970-CTATCGCCTGGCACCG-TCCGC. GRCh37 (hg19) VCF-style: chr10-114903729-CTATCGCCTGGCACCG-TCCGC.
Other names: c.664_679delinsTCCGC, p.Leu222fs (NM_001198525.2, NM_001198526.2, NM_001198527.2 and 6 more transcripts); c.562_577delinsTCCGC, p.Leu188fs (NM_001198530.2); c.733_748delinsTCCGC, p.Leu245fs (NM_001198531.2, NM_001363501.2, NM_001146274.2); c.304_319delinsTCCGC, p.Leu102fs (NM_001349870.2); c.184_199delinsTCCGC, p.Leu62fs (NM_001349871.1); c.805_820delinsTCCGC, p.Leu269fs (NM_001146283.2); short protein forms L188fs, L269fs, L245fs, L102fs, L62fs, L222fs.
Identifiers: ClinVar variation 3630120 (VCV003630120.2).
Genomic context (GRCh38, chr10:113,143,970, plus strand): 5'-CTTCTTCCCTCAGGAATCCCACGGCCTCCGCACCCTCCAGATATATCCCCGTATTACCCA[CTATCGCCTGGCACCG>TCCGC]TAGGACAAATCCCCCATCCGCTAGGATGGTTAGTACCACAGTAAGGAGTTCCATTTTTTA-3'